The following is an entry in ClinVar:

NM_004369.4(COL6A3):c.1897+3A>G

Gene: COL6A3 (collagen type VI alpha 3 chain; minus strand). Cytogenetic location: 2q37.3.
Variant type: single nucleotide variant.
Coding change: c.1897+3A>G on transcript NM_004369.4 (MANE Select); 3 bases into the intron after coding-DNA position 1897, A replaced by G.
Molecular consequence: intron variant.
Genome position (GRCh38, 1-based): chr2:237,380,912, T>C on the plus strand (A>G on the coding strand, the complement: COL6A3 is on the minus strand). VCF-style: chr2-237380912-T-C. GRCh37 (hg19) VCF-style: chr2-238289555-T-C.
Other names: c.676+3A>G (NM_057166.5, NM_057164.5); c.1279+3A>G (NM_057167.4, NM_057165.5).
Identifiers: ClinVar variation 597801 (VCV000597801.12), dbSNP rs369549597, ClinGen allele CA2189533.
Genomic context (GRCh38, chr2:237,380,912, plus strand): 5'-TTGTTCTTAAAGGCCCTGCCTGGAGACCACCCCATTGTGTGTCTGAAGCCATCACCACCA[T>C]ACCTTCAGGGGTTCCAGAGAGGGTCCTGAGAGGTGCCAGCAAGCCAGGCAGCATGCCTTG-3'

ClinVar aggregate classification (germline): Uncertain significance. Review status: criteria provided, multiple submitters, no conflicts (2 of 4 stars). 3 submissions from 3 submitters: Uncertain significance (3). Last evaluated 2024-07-30.

Conditions:
Bethlem myopathy 1A. Also called: Bethlem Muscular Dystrophy; Bethlem myopathy 1; MYOPATHY, BENIGN CONGENITAL, WITH CONTRACTURES. Identifiers: Orphanet 610, MedGen CN029274, MONDO:0024530, OMIM 158810.

Allele frequency attached by ClinVar (database versions not stated): gnomAD exomes below 0.00001; ExAC 0.00001; gnomAD 0.00002; TOPMed 0.00005; ESP Exome Variant Server 0.00008.

Submissions (3):

Labcorp Genetics (formerly Invitae), Labcorp
Classification: Uncertain significance for Bethlem myopathy 1A. Last evaluated: 2024-07-30. Review status: criteria provided, single submitter. Criteria: Invitae Variant Classification Sherloc (09022015). Collection method: clinical testing. Allele origin: germline.
Comment: This sequence change falls in intron 5 of the COL6A3 gene. It does not directly change the encoded amino acid sequence of the COL6A3 protein. It affects a nucleotide within the consensus splice site. This variant is not present in population databases (gnomAD no frequency). This variant has been observed in individual(s) with muscle weakness (PMID: 36703223). ClinVar contains an entry for this variant (Variation ID: 597801). Variants that disrupt the consensus splice site are a relatively common cause of aberrant splicing (PMID: 17576681, 9536098). Algorithms developed to predict the effect of sequence changes on RNA splicing suggest that this variant may disrupt the consensus splice site. In summary, the available evidence is currently insufficient to determine the role of this variant in disease. Therefore, it has been classified as a Variant of Uncertain Significance.

Dubai Health Genomic Medicine Center, Dubai Health
Classification: Uncertain significance. Last evaluated: 2022-12-17. Review status: criteria provided, single submitter. Criteria: ACMG Guidelines, 2015. Collection method: clinical testing. Allele origin: germline. Affected: yes.

Eurofins Ntd Llc (ga)
Classification: Uncertain significance. Last evaluated: 2018-06-28. Review status: criteria provided, single submitter. Criteria: EGL ClinVar v180209 classification definitions. Collection method: clinical testing. Allele origin: germline. Observed: 1 variant allele, 1 heterozygote.

Literature cited by the submitters: PubMed 36703223 (cited by Labcorp Genetics (formerly Invitae), Labcorp); PubMed 17576681 (cited by Labcorp Genetics (formerly Invitae), Labcorp); PubMed 9536098 (cited by Labcorp Genetics (formerly Invitae), Labcorp).